The following is an entry in ClinVar:

NM_013276.4(SHPK):c.319T>C (p.Trp107Arg)

Genes: SHPK (sedoheptulokinase; minus strand), LOC126862464 (MED14-independent group 3 enhancer GRCh37_chr17:3526895-3528094; plus strand). Cytogenetic location: 17p13.2.
Variant type: single nucleotide variant.
Coding change: c.319T>C on transcript NM_013276.4 (MANE Select); coding-DNA position 319, T replaced by C.
Protein change: p.Trp107Arg; replaces tryptophan 107 with arginine.
Molecular consequence: missense variant.
Genome position (GRCh38, 1-based): chr17:3,624,223, A>G on the plus strand (T>C on the coding strand, the complement: SHPK is on the minus strand). VCF-style: chr17-3624223-A-G. GRCh37 (hg19) VCF-style: chr17-3527517-A-G.
Other names: short protein forms W107R.
Identifiers: ClinVar variation 3659728 (VCV003659728.2).

ClinVar aggregate classification (germline): Uncertain significance (1 of 4 stars; one submission).

gnomAD v4.1: 2 of 1,609,440 alleles (0.00012%); highest among the groups gnomAD compares: Non-Finnish European, 0.000085%; no homozygotes.

Submission:

Labcorp Genetics (formerly Invitae), Labcorp
Classification: Uncertain significance. Last evaluated: 2025-01-06. Review status: criteria provided, single submitter. Criteria: Invitae Variant Classification Sherloc (09022015). Collection method: clinical testing. Allele origin: germline.
Comment: This sequence change replaces tryptophan, which is neutral and slightly polar, with arginine, which is basic and polar, at codon 107 of the SHPK protein (p.Trp107Arg). This variant is not present in population databases (gnomAD no frequency). This variant has not been reported in the literature in individuals affected with SHPK-related conditions. An algorithm developed to predict the effect of missense changes on protein structure and function (PolyPhen-2) suggests that this variant is likely to be disruptive. In summary, the available evidence is currently insufficient to determine the role of this variant in disease. Therefore, it has been classified as a Variant of Uncertain Significance.